The following is an entry in ClinVar:

NM_005618.4(DLL1):c.1756G>A (p.Glu586Lys)

Gene: DLL1 (delta like canonical Notch ligand 1; minus strand). Cytogenetic location: 6q27.
Variant type: single nucleotide variant.
Coding change: c.1756G>A on transcript NM_005618.4 (MANE Select); coding-DNA position 1756, G replaced by A.
Protein change: p.Glu586Lys; replaces glutamic acid 586 with lysine.
Molecular consequence: missense variant.
Genome position (GRCh38, 1-based): chr6:170,283,523, C>T on the plus strand (G>A on the coding strand, the complement: DLL1 is on the minus strand). VCF-style: chr6-170283523-C-T. GRCh37 (hg19) VCF-style: chr6-170592611-C-T.
Other names: short protein forms E586K.
Identifiers: ClinVar variation 3728506 (VCV003728506.2).
Genomic context (GRCh38, chr6:170,283,523, plus strand): 5'-TGCTGACTGAGATGTCCTTCTCACGCTGGCAGTTGGCCAGGTTGTTCATGGTCTCCGTCT[C>T]CCCCCGGCAGGGGTCGGCTGGGGGCCGGTGCTTCTGCAGCCTCAGCCGGACGCAGACCAC-3'
Protein context (NP_005609.3, residues 576-596): HRPPADPCRG[Glu586Lys]TETMNNLANC

ClinVar aggregate classification (germline): Uncertain significance (1 of 4 stars; one submission).

Submission:

Labcorp Genetics (formerly Invitae), Labcorp
Classification: Uncertain significance. Last evaluated: 2025-01-05. Review status: criteria provided, single submitter. Criteria: Invitae Variant Classification Sherloc (09022015). Collection method: clinical testing. Allele origin: germline.
Comment: This sequence change replaces glutamic acid, which is acidic and polar, with lysine, which is basic and polar, at codon 586 of the DLL1 protein (p.Glu586Lys). This variant is present in population databases (no rsID available, gnomAD 0.0009%). This variant has not been reported in the literature in individuals affected with DLL1-related conditions. An algorithm developed to predict the effect of missense changes on protein structure and function (PolyPhen-2) suggests that this variant is likely to be disruptive. In summary, the available evidence is currently insufficient to determine the role of this variant in disease. Therefore, it has been classified as a Variant of Uncertain Significance.